The following is an entry in ClinVar:

NM_002968.3(SALL1):c.480_481insAGC (p.Gly160_Gly161insSer)

Gene: SALL1 (spalt like transcription factor 1; minus strand). Cytogenetic location: 16q12.1.
Variant type: Insertion.
Coding change: c.480_481insAGC on transcript NM_002968.3 (MANE Select); coding-DNA positions 480 to 481, AGC inserted.
Protein change: p.Gly160_Gly161insSer.
Molecular consequence: inframe insertion.
Genome position: GRCh38 VCF-style: chr16-51141741-C-CGCT. GRCh37 (hg19) VCF-style: chr16-51175652-C-CGCT.
Other names: c.189_190insAGC, p.Gly63_Gly64insSer (NM_001127892.2).
Identifiers: ClinVar variation 2646529 (VCV002646529.24), dbSNP rs1362562282, ClinGen allele CA721394838.

ClinVar aggregate classification (germline): Uncertain significance (1 of 4 stars; one submission).

Submission:

CeGaT Center for Human Genetics Tuebingen
Classification: Uncertain significance. Last evaluated: 2023-08-01. Review status: criteria provided, single submitter. Criteria: CeGaT Center For Human Genetics Tuebingen Variant Classification Criteria Version 2. Collection method: clinical testing. Allele origin: germline. Affected: yes. Observed: 1 variant allele.
Comment: SALL1: PM2, PM4:Supporting